The following is an entry in ClinVar:

NM_004370.6(COL12A1):c.2880G>A (p.Thr960=)

Gene: COL12A1 (collagen type XII alpha 1 chain; minus strand). Cytogenetic location: 6q13.
Variant type: single nucleotide variant.
Coding change: c.2880G>A on transcript NM_004370.6 (MANE Select); coding-DNA position 2880, G replaced by A.
Protein change: p.Thr960=; no amino-acid change (threonine 960 retained).
Molecular consequence: synonymous variant. On other transcripts: intron variant (1).
Genome position (GRCh38, 1-based): chr6:75,165,610, C>T on the plus strand (G>A on the coding strand, the complement: COL12A1 is on the minus strand). VCF-style: chr6-75165610-C-T. GRCh37 (hg19) VCF-style: chr6-75875326-C-T.
Other names: c.74-13128G>A (NM_080645.3).
Identifiers: ClinVar variation 704544 (VCV000704544.13), dbSNP rs374531525, ClinGen allele CA3893858.
Genomic context (GRCh38, chr6:75,165,610, plus strand): 5'-GCTGTAAGTGGCAAATACTGAAATTCTGTATTTGGTCTCTGGCTGCAGATTTTCTATCAT[C>T]GTATGAATTGCATCTTCAGGCAGATTTTTCTCTCCAGTGTCAACATCATCATAAAGTGAT-3'
Protein context (NP_004361.3, residues 950-970): EKNLPEDAIH[Thr960=]MIENLQPETK

ClinVar aggregate classification (germline): Likely benign. Review status: criteria provided, single submitter (1 of 4 stars). 2 submissions from 2 submitters: Likely benign (1). 1 of the submissions does not count toward it. Last evaluated 2025-12-02.

Conditions:
Ullrich congenital muscular dystrophy 2 (UCMD2). Identifiers: Orphanet 75840, MedGen C4225314, MONDO:0014654, OMIM 616470.
Bethlem myopathy 2 (BTHLM2). Identifiers: Orphanet 536516, Orphanet 610, MedGen C4225313, MONDO:0034022, OMIM 616471.
COL12A1-related disorder. Also called: COL12A1-related condition.

Allele frequency attached by ClinVar (database versions not stated): gnomAD exomes below 0.00001; ExAC 0.00001; gnomAD 0.00005; TOPMed 0.00005; ESP Exome Variant Server 0.00008.
gnomAD v4.1: 98 of 1,613,832 alleles (0.0061%); highest among the groups gnomAD compares: Non-Finnish European, 0.0077%; no homozygotes.

Submissions (2):

Labcorp Genetics (formerly Invitae), Labcorp
Classification: Likely benign for Bethlem myopathy 2; Ullrich congenital muscular dystrophy 2. Last evaluated: 2025-12-02. Review status: criteria provided, single submitter. Criteria: Invitae Variant Classification Sherloc (09022015). Collection method: clinical testing. Allele origin: germline.

PreventionGenetics, part of Exact Sciences
Classification: Likely benign for COL12A1-related condition. Last evaluated: 2022-01-07. Review status: no assertion criteria provided. Collection method: clinical testing. Allele origin: germline. Not counted in ClinVar's aggregate classification.
Comment: This variant is classified as likely benign based on ACMG/AMP sequence variant interpretation guidelines (Richards et al. 2015 PMID: 25741868, with internal and published modifications).